The following is an entry in ClinVar:

NM_000321.3(RB1):c.1533T>A (p.Asp511Glu)

Gene: RB1 (RB transcriptional corepressor 1; plus strand). Cytogenetic location: 13q14.2.
Variant type: single nucleotide variant.
Coding change: c.1533T>A on transcript NM_000321.3 (MANE Select); coding-DNA position 1533, T replaced by A.
Protein change: p.Asp511Glu; replaces aspartic acid 511 with glutamic acid.
Molecular consequence: missense variant.
Genome position (GRCh38, 1-based): chr13:48,381,281, T>A. VCF-style: chr13-48381281-T-A. GRCh37 (hg19) VCF-style: chr13-48955417-T-A.
Other names: short protein forms D511E.
Identifiers: ClinVar variation 1380629 (VCV001380629.8), dbSNP rs2138144990, ClinGen allele CA388163393.

ClinVar aggregate classification (germline): Uncertain significance (1 of 4 stars; one submission).

Conditions:
Retinoblastoma (RB1). Also called: RETINOBLASTOMA, SOMATIC. Identifiers: Orphanet 790, MedGen C0035335, MeSH D012175, MONDO:0008380, OMIM 180200, HP:0009919. Disease mechanism: loss of function. Inheritance: Both sporadic and heritable forms are tested..

Submission:

Labcorp Genetics (formerly Invitae), Labcorp
Classification: Uncertain significance for Retinoblastoma. Last evaluated: 2024-02-17. Review status: criteria provided, single submitter. Criteria: Invitae Variant Classification Sherloc (09022015). Collection method: clinical testing. Allele origin: germline.
Comment: This sequence change replaces aspartic acid, which is acidic and polar, with glutamic acid, which is acidic and polar, at codon 511 of the RB1 protein (p.Asp511Glu). This variant is not present in population databases (gnomAD no frequency). This variant has not been reported in the literature in individuals affected with RB1-related conditions. ClinVar contains an entry for this variant (Variation ID: 1380629). Advanced modeling of protein sequence and biophysical properties (such as structural, functional, and spatial information, amino acid conservation, physicochemical variation, residue mobility, and thermodynamic stability) performed at Invitae indicates that this missense variant is not expected to disrupt RB1 protein function with a negative predictive value of 80%. In summary, the available evidence is currently insufficient to determine the role of this variant in disease. Therefore, it has been classified as a Variant of Uncertain Significance.